The following is an entry in ClinVar:

NM_003194.5(TBP):c.228_229del (p.Gln77fs)

Genes: TBP (TATA-box binding protein; plus strand), LOC108663996 (TATA-box binding protein repeat instability region; plus strand). Cytogenetic location: 6q27.
Variant type: Deletion.
Coding change: c.228_229del on transcript NM_003194.5 (MANE Select); coding-DNA positions 228 to 229, 2 bases deleted (GC; older notation c.228_229delGC).
Protein change: p.Gln77fs; shifts the reading frame from glutamine 77.
Molecular consequence: frameshift variant.
Genome position (GRCh38, 1-based): chr6:170,561,964-170,561,965, GC deleted. VCF-style (leftmost placement, unchanged base first): chr6-170561963-AGC-A. GRCh37 (hg19) VCF-style: chr6-170871051-AGC-A.
Other names: p.Gln77Alafs*100; c.228_229delGC (NM_003194.4); c.168_169del, p.Gln57fs (NM_001172085.2); short protein forms Q77fs, Q57fs.
Identifiers: ClinVar variation 403524 (VCV000403524.10), dbSNP rs1491487452, ClinGen allele CA4108308.

ClinVar aggregate classification (germline): Benign/Likely benign. Review status: criteria provided, multiple submitters, no conflicts (2 of 4 stars). 5 submissions from 5 submitters: Benign (4); Likely benign (1). Last evaluated 2024-11-27.

Conditions:
Parkinson disease, late-onset (PD). Also called: PARKINSON DISEASE, LATE-ONSET, SUSCEPTIBILITY TO; Susceptibility to Parkinson's Disease; Hereditary late onset Parkinson disease. Identifiers: Orphanet 411602, MedGen C3160718, MONDO:0008199, OMIM 168600.
Spinocerebellar ataxia type 17 (SCA17). Also called: Olivopontocerebellar atrophy V; Olivopontocerebellar atrophy 5; Spinocerebellar Ataxia Type17; Cerebelloparenchymal disorder II; HUNTINGTON DISEASE-LIKE 4. Identifiers: Orphanet 98759, MedGen C1846707, MONDO:0011781, OMIM 607136.

Allele frequency attached by ClinVar (database versions not stated): ExAC 0.02376; gnomAD exomes 0.06971 and 0.27519; gnomAD 0.36671 and 0.36909.

Submissions (5):

Blueprint Genetics
Classification: Likely benign. Last evaluated: 2024-11-27. Review status: criteria provided, single submitter. Criteria: ACMG Guidelines, 2015. Collection method: clinical testing. Allele origin: germline.

Department of Pathology and Laboratory Medicine, Sinai Health System
Classification: Benign for Parkinson disease, late-onset; Spinocerebellar ataxia type 17. Last evaluated: 2023-04-24. Review status: criteria provided, single submitter. Criteria: ACMG Guidelines, 2015. Collection method: research. Allele origin: germline.

Mayo Clinic Laboratories, Mayo Clinic
Classification: Benign. Last evaluated: 2022-03-24. Review status: criteria provided, single submitter. Criteria: ACMG Guidelines, 2015. Collection method: clinical testing. Allele origin: germline. Observed: 413 variant alleles.

GeneDx
Classification: Benign. Last evaluated: 2021-06-09. Review status: criteria provided, single submitter. Criteria: GeneDx Variant Classification Process June 2021. Collection method: clinical testing. Allele origin: germline. Affected: yes.

Laboratory for Molecular Medicine, Mass General Brigham Personalized Medicine
Classification: Benign. Last evaluated: 2016-03-28. Review status: criteria provided, single submitter. Criteria: LMM Criteria. Collection method: clinical testing. Allele origin: germline.
Comment: Variant identified in a genome or exome case(s) and assessed due to predicted null impact of the variant or pathogenic assertions in the literature or databases. Disclaimer: This variant has not undergone full assessment. The following are preliminary notes: Frequency